The following is an entry in ClinVar:

NM_002875.5(RAD51):c.559G>C (p.Asp187His)

Gene: RAD51 (RAD51 recombinase; plus strand). Cytogenetic location: 15q15.1.
Variant type: single nucleotide variant.
Coding change: c.559G>C on transcript NM_002875.5 (MANE Select); coding-DNA position 559, G replaced by C.
Protein change: p.Asp187His; replaces aspartic acid 187 with histidine.
Molecular consequence: missense variant.
Genome position (GRCh38, 1-based): chr15:40,728,739, G>C. VCF-style: chr15-40728739-G-C. GRCh37 (hg19) VCF-style: chr15-41020937-G-C.
Other names: c.562G>C, p.Asp188His (NM_001164269.2, NM_133487.4); c.559G>C, p.Asp187His (NM_001164270.2); short protein forms D187H, D188H.
Identifiers: ClinVar variation 1748535 (VCV001748535.2), dbSNP rs2504523707, ClinGen allele CA391757156.

ClinVar aggregate classification (germline): Uncertain significance (1 of 4 stars; one submission).

Conditions:
Inborn genetic diseases. Identifiers: MedGen C0950123, MeSH D030342.

Submission:

Ambry Genetics
Classification: Uncertain significance for Inborn genetic diseases. Last evaluated: 2021-08-21. Review status: criteria provided, single submitter. Criteria: Ambry Variant Classification Scheme 2023. Collection method: clinical testing. Allele origin: germline.
Comment: The p.D187H variant (also known as c.559G>C), located in coding exon 6 of the RAD51 gene, results from a G to C substitution at nucleotide position 559. The aspartic acid at codon 187 is replaced by histidine, an amino acid with similar properties. This amino acid position is conserved. In addition, this alteration is predicted to be deleterious by in silico analysis. Since supporting evidence is limited at this time, the clinical significance of this alteration remains unclear.